The following is an entry in ClinVar:

NM_000059.4(BRCA2):c.2383T>C (p.Ser795Pro)

Gene: BRCA2 (BRCA2 DNA repair associated; plus strand). Cytogenetic location: 13q13.1.
Variant type: single nucleotide variant.
Coding change: c.2383T>C on transcript NM_000059.4 (MANE Select); coding-DNA position 2383, T replaced by C.
Protein change: p.Ser795Pro; replaces serine 795 with proline.
Molecular consequence: missense variant.
Genome position (GRCh38, 1-based): chr13:32,336,738, T>C. VCF-style: chr13-32336738-T-C. GRCh37 (hg19) VCF-style: chr13-32910875-T-C.
Other names: short protein forms S795P.
Identifiers: ClinVar variation 409468 (VCV000409468.10), dbSNP rs878853563, ClinGen allele CA16614249.

ClinVar aggregate classification (germline): Conflicting classifications of pathogenicity. Review status: criteria provided, conflicting classifications (1 of 4 stars). 2 submissions from 2 submitters: Uncertain significance (1); Likely benign (1). Last evaluated 2023-03-23.

Conditions:
Hereditary breast ovarian cancer syndrome. Also called: Hereditary breast and ovarian cancer; Hereditary breast and/or ovarian cancer syndrome; BRCA1- and BRCA2-Associated Hereditary Breast and Ovarian Cancer; Hereditary breast and ovarian cancer syndrome; Hereditary breast and ovarian cancer syndrome (HBOC); Breast and ovarian cancer. Identifiers: Orphanet 145, MedGen C0677776, MeSH D061325, MONDO:0003582. Disease mechanism: loss of function.
Hereditary cancer-predisposing syndrome. Also called: Tumor predisposition; Hereditary Cancer Syndrome; Hereditary neoplastic syndrome; Neoplastic Syndromes, Hereditary. Identifiers: Orphanet 140162, MedGen C0027672, MeSH D009386, MONDO:0015356.

gnomAD v4.1: 1 of 1,613,934 alleles (0.000062%); highest among the groups gnomAD compares: Non-Finnish European, 0.000085%; no homozygotes.

Submissions (2):

University of Washington Department of Laboratory Medicine, University of Washington
Classification: Likely benign for Hereditary cancer-predisposing syndrome. Last evaluated: 2023-03-23. Review status: criteria provided, single submitter. Criteria: Dines et al. (Genet Med. 2020). Collection method: curation. Allele origin: germline.
Comment: Missense variant in a coldspot region where missense variants are very unlikely to be pathogenic (PMID:31911673).

BRCA2 exon 11 coldspot. Reclassification based on statistical prior probability.

Labcorp Genetics (formerly Invitae), Labcorp
Classification: Uncertain significance for Hereditary breast ovarian cancer syndrome. Last evaluated: 2018-05-10. Review status: criteria provided, single submitter. Criteria: Invitae Variant Classification Sherloc (09022015). Collection method: clinical testing. Allele origin: germline.
Comment: This sequence change replaces serine with proline at codon 795 of the BRCA2 protein (p.Ser795Pro). The serine residue is weakly conserved and there is a moderate physicochemical difference between serine and proline. This variant has not been reported in the literature in individuals with BRCA2-related disease. ClinVar contains an entry for this variant (Variation ID: 409468). Algorithms developed to predict the effect of missense changes on protein structure and function output the following: SIFT: "Tolerated"; PolyPhen-2: "Benign"; Align-GVGD: "Class C0". The proline amino acid residue is found in multiple mammalian species, suggesting that this missense change does not adversely affect protein function. These predictions have not been confirmed by published functional studies and their clinical significance is uncertain. This variant is not present in population databases (ExAC no frequency). In summary, the available evidence is currently insufficient to determine the role of this variant in disease. Therefore, it has been classified as a Variant of Uncertain Significance.